The following is an entry in ClinVar:

NM_001042492.3(NF1):c.2990+1del

Gene: NF1 (neurofibromin 1; plus strand). Cytogenetic location: 17q11.2.
Variant type: Deletion.
Coding change: c.2990+1del on transcript NM_001042492.3 (MANE Select); the canonical splice donor site of the intron after coding-DNA position 2990, one base deleted (G; older notation c.2990+1delG).
Molecular consequence: splice donor variant.
Genome position (GRCh38, 1-based): chr17:31,229,975, G deleted; the last of 2 consecutive G bases (chr17:31,229,974-31,229,975); deleting either gives the same sequence. VCF-style (leftmost placement, unchanged base first): chr17-31229973-AG-A. GRCh37 (hg19) VCF-style: chr17-29556991-AG-A.
Other names: c.2990+1del (NM_000267.4).
Identifiers: ClinVar variation 2834346 (VCV002834346.3), dbSNP rs2508198774, ClinGen allele CA499230116.

ClinVar aggregate classification (germline): Likely pathogenic (1 of 4 stars; one submission).

Conditions:
Neurofibromatosis, type 1 (NF1). Also called: VON RECKLINGHAUSEN DISEASE; NEUROFIBROMATOSIS, TYPE I, SOMATIC; Neurofibromatosis, type I; Peripheral type neurofibromatosis. Identifiers: Orphanet 636, MedGen C0027831, MONDO:0018975, OMIM 162200. Disease mechanism: loss of function.

Submission:

Labcorp Genetics (formerly Invitae), Labcorp
Classification: Likely pathogenic for Neurofibromatosis, type 1. Last evaluated: 2023-02-03. Review status: criteria provided, single submitter. Criteria: Invitae Variant Classification Sherloc (09022015). Collection method: clinical testing. Allele origin: germline.
Comment: This variant is not present in population databases (gnomAD no frequency). This sequence change affects a splice site in intron 22 of the NF1 gene. It is expected to disrupt RNA splicing. Variants that disrupt the donor or acceptor splice site typically lead to a loss of protein function (PMID: 16199547), and loss-of-function variants in NF1 are known to be pathogenic (PMID: 10712197, 23913538). This variant has not been reported in the literature in individuals affected with NF1-related conditions. Algorithms developed to predict the effect of sequence changes on RNA splicing suggest that this variant may disrupt the consensus splice site. In summary, the currently available evidence indicates that the variant is pathogenic, but additional data are needed to prove that conclusively. Therefore, this variant has been classified as Likely Pathogenic.

Literature cited by the submitters: PubMed 16199547; PubMed 10712197; PubMed 23913538.